The following is an entry in ClinVar:

ClinVar aggregate classification (germline): Conflicting classifications of pathogenicity. Review status: criteria provided, conflicting classifications (1 of 4 stars). 3 submissions from 3 submitters: Uncertain significance (1); Benign (1); Likely benign (1). Last evaluated 2025-03-12.

Conditions:
RP1L1-related disorder. Also called: RP1L1-related condition.
Inborn genetic diseases. Identifiers: MedGen C0950123, MeSH D030342.

Submissions (3):

PreventionGenetics, part of Exact Sciences
Classification: Likely benign for RP1L1-related condition. Last evaluated: 2025-03-12. Review status: criteria provided, single submitter. Criteria: ACMG Guidelines, 2015. Collection method: clinical testing. Allele origin: germline.
Comment: This variant is classified as likely benign based on ACMG/AMP sequence variant interpretation guidelines (Richards et al. 2015 PMID: 25741868, with internal and published modifications).

Ambry Genetics
Classification: Uncertain significance for Inborn genetic diseases. Last evaluated: 2024-06-17. Review status: criteria provided, single submitter. Criteria: Ambry Variant Classification Scheme 2023. Collection method: clinical testing. Allele origin: germline.

Blueprint Genetics
Classification: Benign. Last evaluated: 2023-12-27. Review status: criteria provided, single submitter. Criteria: ACMG Guidelines, 2015. Collection method: clinical testing. Allele origin: germline.

NM_178857.6(RP1L1):c.1165G>A (p.Val389Met)

Gene: RP1L1 (RP1 like 1). Cytogenetic location: 8p23.1.
Variant type: single nucleotide variant.
Coding change: c.1165G>A on transcript NM_178857.6 (MANE Select); coding-DNA position 1165, G replaced by A.
Protein change: p.Val389Met; replaces valine 389 with methionine.
Molecular consequence: missense variant.
Genome position (GRCh38, 1-based): chr8:10,612,933, C>T on the plus strand (G>A on the coding strand, the complement: RP1L1 is on the minus strand). VCF-style: chr8-10612933-C-T. GRCh37 (hg19) VCF-style: chr8-10470443-C-T.
Other names: short protein forms V389M.
Identifiers: ClinVar variation 3315068 (VCV003315068.3).